The following is an entry in ClinVar:

NM_005475.3(SH2B3):c.854T>C (p.Ile285Thr)

Gene: SH2B3 (SH2B adaptor protein 3; plus strand). Cytogenetic location: 12q24.12.
Variant type: single nucleotide variant.
Coding change: c.854T>C on transcript NM_005475.3 (MANE Select); coding-DNA position 854, T replaced by C.
Protein change: p.Ile285Thr; replaces isoleucine 285 with threonine.
Molecular consequence: missense variant.
Genome position (GRCh38, 1-based): chr12:111,446,961, T>C. VCF-style: chr12-111446961-T-C. GRCh37 (hg19) VCF-style: chr12-111884765-T-C.
Other names: c.248T>C, p.Ile83Thr (NM_001291424.1); short protein forms I285T, I83T.
Identifiers: ClinVar variation 4864467 (VCV004864467.1).

ClinVar aggregate classification (germline): Uncertain significance (1 of 4 stars; one submission).

Conditions:
Inborn genetic diseases. Identifiers: MedGen C0950123, MeSH D030342.

gnomAD v4.1: 3 of 1,613,958 alleles (0.00019%); highest among the groups gnomAD compares: Non-Finnish European, 0.00025%; no homozygotes.

Submission:

Ambry Genetics
Classification: Uncertain significance for Inborn genetic diseases. Last evaluated: 2026-06-08. Review status: criteria provided, single submitter. Criteria: Ambry Variant Classification Scheme 2023. Collection method: clinical testing. Allele origin: germline.
Comment: The p.I285T variant (also known as c.854T>C), located in coding exon 3 of the SH2B3 gene, results from a T to C substitution at nucleotide position 854. The isoleucine at codon 285 is replaced by threonine, an amino acid with similar properties. This amino acid position is conserved. In addition, this alteration is predicted to be tolerated by in silico analysis. Based on the available evidence, the clinical significance of this variant remains unclear.